The following is an entry in ClinVar:

ClinVar aggregate classification (germline): Uncertain significance (1 of 4 stars; one submission).

Conditions:
Epilepsy, familial focal, with variable foci 1 (FFEVF1). Also called: DEPDC5-Related Epilepsy. Identifiers: MedGen C4551983, MONDO:0024556, OMIM 604364.

Submission:

Victorian Clinical Genetics Services, Murdoch Childrens Research Institute
Classification: Uncertain significance for Epilepsy, familial focal, with variable foci 1. Last evaluated: 2020-05-21. Review status: criteria provided, single submitter. Criteria: ACMG Guidelines, 2015. Collection method: clinical testing. Allele origin: germline. Inheritance: Autosomal dominant inheritance. Affected: yes.
Comment: A heterozygous missense variant was identified, NM_001242897.1(DEPDC5):c.4490A>G in exon 40 of 40 of the DEPDC5 gene. (NB: this variant is non-coding in alternative transcript, NM_001007188.3). This substitution is predicted to create a minor amino acid change from a lysine to an arginine at position 1497 of the protein; NP_001229826.1(DEPDC5):p.(Lys1497Arg). The lysine at this position has moderate conservation (100 vertebrates, UCSC), but is not situated in a known functional domain (NCBI, PDB). In silico software predictions of the pathogenicity of this variant are conflicting (PolyPhen2, SIFT, CADD, Mutation Taster). The variant is not present in the gnomAD population database. This variant has not previously been reported in clinical cases. Based on information available at the time of curation, this variant has been classified as a VUS with LOW CLINICAL RELEVANCE.

NM_001242896.3(DEPDC5):c.4790A>G (p.Lys1597Arg)

Gene: DEPDC5 (DEP domain containing 5, GATOR1 subcomplex subunit; plus strand). Cytogenetic location: 22q12.3.
Variant type: single nucleotide variant.
Coding change: c.4790A>G on transcript NM_001242896.3 (MANE Select); coding-DNA position 4790, A replaced by G.
Protein change: p.Lys1597Arg; replaces lysine 1597 with arginine.
Molecular consequence: missense variant. On other transcripts: non-coding transcript variant (5).
Genome position (GRCh38, 1-based): chr22:31,906,475, A>G. VCF-style: chr22-31906475-A-G. GRCh37 (hg19) VCF-style: chr22-32302461-A-G.
Other names: c.4763A>G, p.Lys1588Arg (NM_001136029.4); c.4490A>G, p.Lys1497Arg (NM_001242897.2); c.4724A>G, p.Lys1575Arg (NM_001363852.2, NM_001364320.2); c.4556A>G, p.Lys1519Arg (NM_001363854.2, NM_001364319.2); c.4790A>G, p.Lys1597Arg (NM_001364318.2); c.4706A>G, p.Lys1569Arg (NM_001369901.1, NM_001369902.1); c.4697A>G, p.Lys1566Arg (NM_001369903.1, NM_014662.6); short protein forms K1497R, K1519R, K1566R, K1569R, K1575R, K1588R, K1597R.
Identifiers: ClinVar variation 1805805 (VCV001805805.1), dbSNP rs2523604658, ClinGen allele CA411293297.